The following is an entry in ClinVar:

ClinVar aggregate classification (germline): Uncertain significance (1 of 4 stars; one submission).

Allele frequency attached by ClinVar (database versions not stated): gnomAD 0.00001; ExAC 0.00002.
gnomAD v4.1: 14 of 1,614,020 alleles (0.00087%); highest among the groups gnomAD compares: Middle Eastern, 0.016%; no homozygotes.

Submission:

Labcorp Genetics (formerly Invitae), Labcorp
Classification: Uncertain significance. Last evaluated: 2022-01-03. Review status: criteria provided, single submitter. Criteria: Invitae Variant Classification Sherloc (09022015). Collection method: clinical testing. Allele origin: germline.
Comment: This sequence change replaces glycine, which is neutral and non-polar, with arginine, which is basic and polar, at codon 1018 of the RUSC2 protein (p.Gly1018Arg). This variant is present in population databases (rs778441826, gnomAD 0.01%). This variant has not been reported in the literature in individuals affected with RUSC2-related conditions. Algorithms developed to predict the effect of missense changes on protein structure and function are either unavailable or do not agree on the potential impact of this missense change (SIFT: "Deleterious"; PolyPhen-2: "Probably Damaging"; Align-GVGD: "Class C0"). In summary, the available evidence is currently insufficient to determine the role of this variant in disease. Therefore, it has been classified as a Variant of Uncertain Significance.

NM_014806.5(RUSC2):c.3052G>A (p.Gly1018Arg)

Gene: RUSC2 (RUN and SH3 domain containing 2; plus strand). Cytogenetic location: 9p13.3.
Variant type: single nucleotide variant.
Coding change: c.3052G>A on transcript NM_014806.5 (MANE Select); coding-DNA position 3052, G replaced by A.
Protein change: p.Gly1018Arg; replaces glycine 1018 with arginine.
Molecular consequence: missense variant. On other transcripts: non-coding transcript variant (1).
Genome position (GRCh38, 1-based): chr9:35,557,982, G>A. VCF-style: chr9-35557982-G-A. GRCh37 (hg19) VCF-style: chr9-35557979-G-A.
Other names: c.3052G>A, p.Gly1018Arg (NM_001135999.2); c.418G>A, p.Gly140Arg (NM_001330740.2); short protein forms G1018R, G140R.
Identifiers: ClinVar variation 1916072 (VCV001916072.2), dbSNP rs778441826, ClinGen allele CA5044031.